The following is an entry in ClinVar:

NM_005445.4(SMC3):c.2830C>T (p.Arg944Ter)

Gene: SMC3 (structural maintenance of chromosomes 3; plus strand). Cytogenetic location: 10q25.2.
Variant type: single nucleotide variant.
Coding change: c.2830C>T on transcript NM_005445.4 (MANE Select); coding-DNA position 2830, C replaced by T.
Protein change: p.Arg944Ter; replaces arginine 944 with a stop codon.
Molecular consequence: nonsense.
Genome position (GRCh38, 1-based): chr10:110,601,822, C>T. VCF-style: chr10-110601822-C-T. GRCh37 (hg19) VCF-style: chr10-112361580-C-T.
Other names: short protein forms R944*.
Identifiers: ClinVar variation 71026 (VCV000071026.3), dbSNP rs139627416, ClinGen allele CA213249202.
Genomic context (GRCh38, chr10:110,601,822, plus strand): 5'-AAGATGACAAATCGGCAAGGCATGCTATTGAAGAAGAAAGAAGAGTGTATGAAGAAAATT[C>T]GAGAACTTGGATCACTTCCCCAGGAAGCATTTGAAAAGTACCAGACACTGAGCCTCAAAC-3'

ClinVar aggregate classification (germline): Uncertain significance (1 of 4 stars; one submission).

Submission:

GeneDx
Classification: Uncertain significance. Last evaluated: 2018-03-21. Review status: criteria provided, single submitter. Criteria: GeneDx Variant Classification (06012015). Collection method: clinical testing. Allele origin: germline. Affected: yes.
Comment: The R944X variant has not been published as a pathogenic variant, nor has it been reported as a benign variant to our knowledge. The R944X variant is not observed in large population cohorts (Lek et al., 2016). This variant is predicted to cause loss of normal protein function either through protein truncation or nonsense-mediated mRNA decay. However, loss-of-function is not a well-established mechanism of disease for the SMC3 gene. Therefore, based on the currently available information, it is unclear whether this variant is a pathogenic variant or a rare benign variant.